The following is an entry in ClinVar:

ClinVar aggregate classification (germline): Uncertain significance (1 of 4 stars; one submission).

gnomAD v4.1: 18 of 1,204,236 alleles (0.0015%); highest among the groups gnomAD compares: East Asian, 0.053%; no homozygotes.

Submission:

Ambry Genetics
Classification: Uncertain significance. Last evaluated: 2025-11-08. Review status: criteria provided, single submitter. Criteria: Ambry Variant Classification Scheme 2023. Collection method: clinical testing. Allele origin: germline.
Comment: The c.928C>T (p.P310S) alteration is located in exon 5 (coding exon 1) of the MUM1L1 gene. This alteration results from a C to T substitution at nucleotide position 928, causing the proline (P) at amino acid position 310 to be replaced by a serine (S). Based on data from gnomAD, the T allele has an overall frequency of <0.001% (0/168691) total alleles studied. The highest observed frequency was <0.001% (/) of alleles. Based on insufficient or conflicting evidence, the clinical significance of this alteration remains unclear.

NM_001171020.2(PWWP3B):c.928C>T (p.Pro310Ser)

Gene: PWWP3B (PWWP domain containing 3B; plus strand). Cytogenetic location: Xq22.3.
Variant type: single nucleotide variant.
Coding change: c.928C>T on transcript NM_001171020.2 (MANE Select); coding-DNA position 928, C replaced by T.
Protein change: p.Pro310Ser; replaces proline 310 with serine.
Molecular consequence: missense variant.
Genome position (GRCh38, 1-based): chrX:106,206,360, C>T. VCF-style: chrX-106206360-C-T. GRCh37 (hg19) VCF-style: chrX-105450353-C-T.
Other names: c.928C>T, p.Pro310Ser (NM_152423.5); short protein forms P310S.
Identifiers: ClinVar variation 4574531 (VCV004574531.1).